The following is an entry in ClinVar:

ClinVar aggregate classification (germline): Uncertain significance (1 of 4 stars; one submission).

gnomAD v4.1: 5 of 762,266 alleles (0.00066%); highest among the groups gnomAD compares: East Asian, 0.0025%; no homozygotes.

Submission:

Women's Health and Genetics/Laboratory Corporation of America, LabCorp
Classification: Uncertain significance. Last evaluated: 2026-03-16. Review status: criteria provided, single submitter. Criteria: LabCorp Variant Classification Summary - May 2015. Collection method: clinical testing. Allele origin: germline.
Comment: Variant summary: C1R c.62T>C (p.Ile21Thr) results in a non-conservative amino acid change in the encoded protein sequence. Algorithms developed to predict the effect of missense changes on protein structure and function are either unavailable or do not agree on the potential impact of this missense change. The variant was absent in 216326 control chromosomes. The available data on variant occurrences in the general population are insufficient to allow any conclusion about variant significance. To our knowledge, no occurrence of c.62T>C in individuals affected with C1R-related conditions and no experimental evidence demonstrating its impact on protein function have been reported. No submitters have cited clinical-significance assessments for this variant to ClinVar. Based on the evidence outlined above, the variant was classified as uncertain significance.

NM_001733.7(C1R):c.62T>C (p.Ile21Thr)

Gene: C1R (complement C1r; minus strand). Cytogenetic location: 12p13.31.
Variant type: single nucleotide variant.
Coding change: c.62T>C on transcript NM_001733.7 (MANE Select); coding-DNA position 62, T replaced by C.
Protein change: p.Ile21Thr; replaces isoleucine 21 with threonine.
Molecular consequence: missense variant.
Genome position (GRCh38, 1-based): chr12:7,091,621, A>G on the plus strand (T>C on the coding strand, the complement: C1R is on the minus strand). VCF-style: chr12-7091621-A-G. GRCh37 (hg19) VCF-style: chr12-7244217-A-G.
Other names: c.104T>C, p.Ile35Thr (NM_001354346.2); short protein forms I21T, I35T.
Identifiers: ClinVar variation 4847188 (VCV004847188.1).